The following is an entry in ClinVar:

NM_182914.3(SYNE2):c.16288C>G (p.Gln5430Glu)

Gene: SYNE2 (spectrin repeat containing nuclear envelope protein 2; plus strand). Cytogenetic location: 14q23.2.
Variant type: single nucleotide variant.
Coding change: c.16288C>G on transcript NM_182914.3 (MANE Select); coding-DNA position 16288, C replaced by G.
Protein change: p.Gln5430Glu; replaces glutamine 5430 with glutamic acid.
Molecular consequence: missense variant.
Genome position (GRCh38, 1-based): chr14:64,162,265, C>G. VCF-style: chr14-64162265-C-G. GRCh37 (hg19) VCF-style: chr14-64628983-C-G.
Other names: c.16288C>G, p.Gln5430Glu (NM_015180.6); short protein forms Q5430E.
Identifiers: ClinVar variation 2915159 (VCV002915159.3), dbSNP rs1366859062, ClinGen allele CA389958248.

ClinVar aggregate classification (germline): Uncertain significance (1 of 4 stars; one submission).

Conditions:
Emery-Dreifuss muscular dystrophy 5, autosomal dominant (EDMD5). Also called: EMERY-DREIFUSS MUSCULAR DYSTROPHY 5. Identifiers: Orphanet 261, MedGen C2751805, MONDO:0013072, OMIM 612999.

Allele frequency attached by ClinVar (database versions not stated): gnomAD 0.00003; TOPMed 0.00003.
gnomAD v4.1: 6 of 1,614,020 alleles (0.00037%); highest among the groups gnomAD compares: African/African-American, 0.008%; no homozygotes.

Submission:

Labcorp Genetics (formerly Invitae), Labcorp
Classification: Uncertain significance for Emery-Dreifuss muscular dystrophy 5, autosomal dominant. Last evaluated: 2025-06-12. Review status: criteria provided, single submitter. Criteria: Invitae Variant Classification Sherloc (09022015). Collection method: clinical testing. Allele origin: germline.
Comment: This sequence change replaces glutamine, which is neutral and polar, with glutamic acid, which is acidic and polar, at codon 5430 of the SYNE2 protein (p.Gln5430Glu). This variant is present in population databases (no rsID available, gnomAD 0.01%). This variant has not been reported in the literature in individuals affected with SYNE2-related conditions. ClinVar contains an entry for this variant (Variation ID: 2915159). An algorithm developed to predict the effect of missense changes on protein structure and function (PolyPhen-2) suggests that this variant is likely to be tolerated. In summary, the available evidence is currently insufficient to determine the role of this variant in disease. Therefore, it has been classified as a Variant of Uncertain Significance.